The following is an entry in ClinVar:

NM_003356.4(UCP3):c.91dup (p.Thr31fs)

Gene: UCP3 (uncoupling protein 3; minus strand). Cytogenetic location: 11q13.4.
Variant type: Duplication.
Coding change: c.91dup on transcript NM_003356.4 (MANE Select); coding-DNA position 91, one base duplicated (A; older notation c.91dupA).
Protein change: p.Thr31fs; shifts the reading frame from threonine 31.
Molecular consequence: frameshift variant.
Genome position (GRCh38, 1-based): chr11:74,006,952, T duplicated on the plus strand (A on the coding strand, the reverse complement: UCP3 is on the minus strand). VCF-style (leftmost placement, unchanged base first): chr11-74006951-G-GT. GRCh37 (hg19) VCF-style: chr11-73717996-G-GT.
Other names: c.91dup, p.Thr31fs (NM_022803.3); short protein forms T31fs.
Identifiers: ClinVar variation 2154118 (VCV002154118.4), dbSNP rs753543579, ClinGen allele CA6181654.

ClinVar aggregate classification (germline): Uncertain significance (1 of 4 stars; one submission).

Allele frequency attached by ClinVar (database versions not stated): gnomAD 0.00001; gnomAD exomes 0.00001; ExAC 0.00002; TOPMed 0.00002.

Submission:

Labcorp Genetics (formerly Invitae), Labcorp
Classification: Uncertain significance. Last evaluated: 2024-08-12. Review status: criteria provided, single submitter. Criteria: Invitae Variant Classification Sherloc (09022015). Collection method: clinical testing. Allele origin: germline.
Comment: This sequence change creates a premature translational stop signal (p.Thr31Asnfs*42) in the UCP3 gene. It is expected to result in an absent or disrupted protein product. However, the current clinical and genetic evidence is not sufficient to establish whether loss-of-function variants in UCP3 cause disease. This variant is present in population databases (rs753543579, gnomAD 0.01%). This variant has not been reported in the literature in individuals affected with UCP3-related conditions. ClinVar contains an entry for this variant (Variation ID: 2154118). In summary, the available evidence is currently insufficient to determine the role of this variant in disease. Therefore, it has been classified as a Variant of Uncertain Significance.